The following is an entry in ClinVar:

ClinVar aggregate classification (germline): Pathogenic (1 of 4 stars; one submission).

Submission:

Athena Diagnostics
Classification: Pathogenic. Last evaluated: 2023-07-07. Review status: criteria provided, single submitter. Criteria: Athena Diagnostics Criteria. Collection method: clinical testing. Allele origin: unknown.
Comment: This variant is expected to result in the loss of a functional protein. This variant has not been reported in large, multi-ethnic general populations. This variant has been identified in at least one individual with clinical features associated with this gene.

NM_000545.8(HNF1A):c.335del (p.Pro112fs)

Gene: HNF1A (HNF1 homeobox A; plus strand). Cytogenetic location: 12q24.31.
Variant type: Deletion.
Coding change: c.335del on transcript NM_000545.8 (MANE Select); coding-DNA position 335, one base deleted (C; older notation c.335delC).
Protein change: p.Pro112fs; shifts the reading frame from proline 112.
Molecular consequence: frameshift variant.
Genome position (GRCh38, 1-based): chr12:120,988,841, C deleted; the last of 3 consecutive C bases (chr12:120,988,839-120,988,841); deleting any one gives the same sequence. VCF-style (leftmost placement, unchanged base first): chr12-120988838-AC-A. GRCh37 (hg19) VCF-style: chr12-121426641-AC-A.
Other names: c.335delC, p.Pro112Argfs (NM_000545.5); c.335del, p.Pro112fs (NM_001306179.2, NM_001406915.1); short protein forms P112fs.
Identifiers: ClinVar variation 2684075 (VCV002684075.1), dbSNP rs2499987411, ClinGen allele CA2697551547.